The following is an entry in ClinVar:

NM_001289808.2(CRYAB):c.325G>A (p.Asp109Asn)

Gene: CRYAB (crystallin alpha B; minus strand). Cytogenetic location: 11q23.1.
Variant type: single nucleotide variant.
Coding change: c.325G>A on transcript NM_001289808.2 (MANE Select); coding-DNA position 325, G replaced by A.
Protein change: p.Asp109Asn; replaces aspartic acid 109 with asparagine.
Molecular consequence: missense variant.
Genome position (GRCh38, 1-based): chr11:111,908,967, C>T on the plus strand (G>A on the coding strand, the complement: CRYAB is on the minus strand). VCF-style: chr11-111908967-C-T. GRCh37 (hg19) VCF-style: chr11-111779691-C-T.
Other names: c.325G>A, p.Asp109Asn (NM_001289807.1, NM_001368245.1, NM_001885.3); c.124G>A, p.Asp42Asn (NM_001330379.1, NM_001368246.1); short protein forms D109N, D42N.
Identifiers: ClinVar variation 4772944 (VCV004772944.1).
Genomic context (GRCh38, chr11:111,908,967, plus strand): 5'-CTACATCAGCTGGGATCCGGTATTTCCTGTGGAACTCCCTGGAGATGAAACCATGTTCAT[C>T]CTAACCCAAAAGAATGAGGAAAGAGGCAGAGAGATAAGAACAGGAACTATTATCACCTGC-3'
Protein context (NP_001276737.1, residues 99-119): EVHGKHEERQ[Asp109Asn]EHGFISREFH

ClinVar aggregate classification (germline): Uncertain significance (1 of 4 stars; one submission).

Conditions:
Dilated cardiomyopathy 1II (CMD1II). Identifiers: Orphanet 154, MedGen C3554649, MONDO:0014073, OMIM 615184.

Submission:

Labcorp Genetics (formerly Invitae), Labcorp
Classification: Uncertain significance for Dilated cardiomyopathy 1II. Last evaluated: 2025-07-29. Review status: criteria provided, single submitter. Criteria: Invitae Variant Classification Sherloc (09022015). Collection method: clinical testing. Allele origin: germline.
Comment: This sequence change replaces aspartic acid, which is acidic and polar, with asparagine, which is neutral and polar, at codon 109 of the CRYAB protein (p.Asp109Asn). This variant is not present in population databases (gnomAD no frequency). This variant has not been reported in the literature in individuals affected with CRYAB-related conditions. An algorithm developed to predict the effect of missense changes on protein structure and function (PolyPhen-2) suggests that this variant is likely to be disruptive. Algorithms developed to predict the effect of sequence changes on RNA splicing suggest that this variant may create or strengthen a splice site. This variant disrupts the p.Asp109 amino acid residue in CRYAB. Other variant(s) that disrupt this residue have been determined to be pathogenic (PMID: 21920752, 23194663, 26627873). This suggests that this residue is clinically significant, and that variants that disrupt this residue are likely to be disease-causing. In summary, the available evidence is currently insufficient to determine the role of this variant in disease. Therefore, it has been classified as a Variant of Uncertain Significance.

Literature cited by the submitters: PubMed 21920752; PubMed 23194663; PubMed 26627873.